The following is an entry in ClinVar:

NM_031407.7(HUWE1):c.5662G>A (p.Val1888Met)

Gene: HUWE1 (HECT, UBA and WWE domain containing E3 ubiquitin protein ligase 1; minus strand). Cytogenetic location: Xp11.22.
Variant type: single nucleotide variant.
Coding change: c.5662G>A on transcript NM_031407.7 (MANE Select); coding-DNA position 5662, G replaced by A.
Protein change: p.Val1888Met; replaces valine 1888 with methionine.
Molecular consequence: missense variant.
Genome position (GRCh38, 1-based): chrX:53,580,885, C>T on the plus strand (G>A on the coding strand, the complement: HUWE1 is on the minus strand). VCF-style: chrX-53580885-C-T. GRCh37 (hg19) VCF-style: chrX-53607845-C-T.
Other names: c.5662G>A (NM_031407.6); short protein forms V1888M.
Identifiers: ClinVar variation 521754 (VCV000521754.11), dbSNP rs782222601, ClinGen allele CA10422233.

ClinVar aggregate classification (germline): Uncertain significance. Review status: criteria provided, multiple submitters, no conflicts (2 of 4 stars). 4 submissions from 4 submitters: Uncertain significance (4). Last evaluated 2024-11-06.

Conditions:
Inborn genetic diseases. Identifiers: MedGen C0950123, MeSH D030342.
Intellectual developmental disorder, X-linked, syndromic, Turner type. Also called: X-linked intellectual disability, Turner type; Intellectual disability, X-linked syndromic, Turner type. Identifiers: Orphanet 3056, Orphanet 85328, MedGen C2678046, MONDO:0010407, OMIM 309590.
HUWE1-related disorder. Also called: HUWE1-related condition.

Allele frequency attached by ClinVar (database versions not stated): gnomAD exomes below 0.00001 and 0.00001; ExAC 0.00001.
gnomAD v4.1: 1 of 1,211,746 alleles (0.000083%); highest among the groups gnomAD compares: Admixed American, 0.0022%; no homozygotes.

Submissions (4):

PreventionGenetics, part of Exact Sciences
Classification: Uncertain significance for HUWE1-related condition. Last evaluated: 2024-11-06. Review status: criteria provided, single submitter. Criteria: ACMG Guidelines, 2015. Collection method: clinical testing. Allele origin: germline.
Comment: The HUWE1 c.5662G>A variant is predicted to result in the amino acid substitution p.Val1888Met. To our knowledge, this variant has not been reported in the literature. This variant is reported in 0.0037% of alleles in individuals of Latino descent in gnomAD. At this time, the clinical significance of this variant is uncertain due to the absence of conclusive functional and genetic evidence.

Labcorp Genetics (formerly Invitae), Labcorp
Classification: Uncertain significance. Last evaluated: 2024-05-16. Review status: criteria provided, single submitter. Criteria: Invitae Variant Classification Sherloc (09022015). Collection method: clinical testing. Allele origin: germline.
Comment: This sequence change replaces valine, which is neutral and non-polar, with methionine, which is neutral and non-polar, at codon 1888 of the HUWE1 protein (p.Val1888Met). This variant is present in population databases (rs782222601, gnomAD 0.004%). This variant has not been reported in the literature in individuals affected with HUWE1-related conditions. ClinVar contains an entry for this variant (Variation ID: 521754). Advanced modeling of protein sequence and biophysical properties (such as structural, functional, and spatial information, amino acid conservation, physicochemical variation, residue mobility, and thermodynamic stability) has been performed at Invitae for this missense variant, however the output from this modeling did not meet the statistical confidence thresholds required to predict the impact of this variant on HUWE1 protein function. In summary, the available evidence is currently insufficient to determine the role of this variant in disease. Therefore, it has been classified as a Variant of Uncertain Significance.

Illumina Laboratory Services, Illumina
Classification: Uncertain significance for Intellectual developmental disorder, X-linked, syndromic, Turner type. Last evaluated: 2019-08-22. Review status: criteria provided, single submitter. Criteria: ICSLVariantClassificationCriteria RUGD 01 April 2020. Collection method: clinical testing. Allele origin: unknown.
Comment: The HUWE1 c.5662G>A (p.Val1888Met) variant is a missense variant. A literature search was performed for the gene, cDNA change, and amino acid change. No publications were found based on this search. The variant is reported at a frequency of 0.000036 in the Latino population of the Genome Aggregation Database but this is based on one allele in an area of good sequence coverage so the variant is presumed to be rare. Based on the limited evidence, the p.Val1888Met variant is classified as a variant of uncertain significance for X-linked syndromic intellectual disability, Turner type.

Ambry Genetics
Classification: Uncertain significance for Inborn genetic diseases. Last evaluated: 2017-05-18. Review status: criteria provided, single submitter. Criteria: Ambry exome assertion method (8-5-2015). Collection method: clinical testing. Allele origin: germline. Affected: yes. Observed: 1 variant allele.